The following is an entry in ClinVar:

ClinVar aggregate classification (germline): Uncertain significance (1 of 4 stars; one submission).

Submission:

Labcorp Genetics (formerly Invitae), Labcorp
Classification: Uncertain significance. Last evaluated: 2022-08-20. Review status: criteria provided, single submitter. Criteria: Invitae Variant Classification Sherloc (09022015). Collection method: clinical testing. Allele origin: germline.
Comment: This sequence change replaces glutamic acid, which is acidic and polar, with glutamine, which is neutral and polar, at codon 1487 of the RP1 protein (p.Glu1487Gln). In summary, the available evidence is currently insufficient to determine the role of this variant in disease. Therefore, it has been classified as a Variant of Uncertain Significance. Algorithms developed to predict the effect of missense changes on protein structure and function output the following: SIFT: "Deleterious"; PolyPhen-2: "Benign"; Align-GVGD: "Class C0". The glutamine amino acid residue is found in multiple mammalian species, which suggests that this missense change does not adversely affect protein function. This variant has not been reported in the literature in individuals affected with RP1-related conditions. This variant is not present in population databases (gnomAD no frequency).

NM_006269.2(RP1):c.4459G>C (p.Glu1487Gln)

Gene: RP1 (RP1 axonemal microtubule associated; plus strand). Cytogenetic location: 8q12.1.
Variant type: single nucleotide variant.
Coding change: c.4459G>C on transcript NM_006269.2 (MANE Select); coding-DNA position 4459, G replaced by C.
Protein change: p.Glu1487Gln; replaces glutamic acid 1487 with glutamine.
Molecular consequence: missense variant. On other transcripts: intron variant (1).
Genome position (GRCh38, 1-based): chr8:54,628,341, G>C. VCF-style: chr8-54628341-G-C. GRCh37 (hg19) VCF-style: chr8-55540901-G-C.
Other names: c.787+6053G>C (NM_001375654.1); short protein forms E1487Q.
Identifiers: ClinVar variation 1717118 (VCV001717118.5), dbSNP rs1806139552, ClinGen allele CA370982251.